The following is an entry in ClinVar:

ClinVar aggregate classification (germline): Likely benign. Review status: criteria provided, multiple submitters, no conflicts (2 of 4 stars). 2 submissions from 2 submitters: Likely benign (2). Last evaluated 2024-08-01.

gnomAD v4.1: 195 of 1,612,616 alleles (0.012%); highest among the groups gnomAD compares: South Asian, 0.022%; no homozygotes.

Submissions (2):

CeGaT Center for Human Genetics Tuebingen
Classification: Likely benign. Last evaluated: 2024-08-01. Review status: criteria provided, single submitter. Criteria: CeGaT Center For Human Genetics Tuebingen Variant Classification Criteria Version 2. Collection method: clinical testing. Allele origin: germline. Affected: yes. Observed: 1 variant allele.
Comment: CUX2: BP4, BP7

Blueprint Genetics
Classification: Likely benign. Last evaluated: 2023-05-04. Review status: criteria provided, single submitter. Criteria: ACMG Guidelines, 2015. Collection method: clinical testing. Allele origin: germline.

NM_015267.4(CUX2):c.3003G>A (p.Pro1001=)

Gene: CUX2 (cut like homeobox 2; plus strand). Cytogenetic location: 12q24.12.
Variant type: single nucleotide variant.
Coding change: c.3003G>A on transcript NM_015267.4 (MANE Select); coding-DNA position 3003, G replaced by A.
Protein change: p.Pro1001=; no amino-acid change (proline 1001 retained).
Molecular consequence: synonymous variant.
Genome position (GRCh38, 1-based): chr12:111,334,517, G>A. VCF-style: chr12-111334517-G-A. GRCh37 (hg19) VCF-style: chr12-111772321-G-A.
Other names: c.2817G>A, p.Pro939= (NM_001370598.1).
Identifiers: ClinVar variation 3341672 (VCV003341672.17).
Genomic context (GRCh38, chr12:111,334,517, plus strand): 5'-AAGGTCCTCACCATCCCCACCCCCCAGCCCCACAGAGCCTGAGAAGAGCTCCCAGGAGCC[G>A]TTGAGCCTGTCCCTGGAGAGCAGCAAGGAGAACCAGCAGCCAGAGGGCCGCTCCAGCTCC-3'
Protein context (NP_056082.2, residues 991-1011): PTEPEKSSQE[Pro1001=]LSLSLESSKE